The following is an entry in ClinVar:

NM_005529.7(HSPG2):c.8102A>T (p.Asn2701Ile)

Gene: HSPG2 (heparan sulfate proteoglycan 2; minus strand). Cytogenetic location: 1p36.12.
Variant type: single nucleotide variant.
Coding change: c.8102A>T on transcript NM_005529.7 (MANE Select); coding-DNA position 8102, A replaced by T.
Protein change: p.Asn2701Ile; replaces asparagine 2701 with isoleucine.
Molecular consequence: missense variant.
Genome position (GRCh38, 1-based): chr1:21,847,416, T>A on the plus strand (A>T on the coding strand, the complement: HSPG2 is on the minus strand). VCF-style: chr1-21847416-T-A. GRCh37 (hg19) VCF-style: chr1-22173909-T-A.
Other names: c.8105A>T, p.Asn2702Ile (NM_001291860.2); c.8102A>T (NM_005529.5); short protein forms N2702I, N2701I.
Identifiers: ClinVar variation 1037387 (VCV001037387.9), dbSNP rs777772972, ClinGen allele CA670927.
Genomic context (GRCh38, chr1:21,847,416, plus strand): 5'-GAGGGGCTGCCGGCGCTAGGGGAGACGGAGATGACGATGGAGGCCTCCAGGGCATCGATG[T>A]TGTTGTTGGCCCGGCACACATACTCGCCCGAGTCAGCCACAGACATTTGGTGCAACCGCA-3'
Protein context (NP_005520.4, residues 2691-2711): SGEYVCRANN[Asn2701Ile]IDALEASIVI

ClinVar aggregate classification (germline): Uncertain significance. Review status: criteria provided, multiple submitters, no conflicts (2 of 4 stars). 2 submissions from 2 submitters: Uncertain significance (2). Last evaluated 2025-06-17.

Conditions:
Inborn genetic diseases. Identifiers: MedGen C0950123, MeSH D030342.

Allele frequency attached by ClinVar (database versions not stated): gnomAD 0.00001; ExAC 0.00002; TOPMed 0.00002; gnomAD exomes 0.00004.
gnomAD v4.1: 15 of 1,613,642 alleles (0.00093%); highest among the groups gnomAD compares: Admixed American, 0.023%; no homozygotes.

Submissions (2):

Ambry Genetics
Classification: Uncertain significance for Inborn genetic diseases. Last evaluated: 2025-06-17. Review status: criteria provided, single submitter. Criteria: Ambry Variant Classification Scheme 2023. Collection method: clinical testing. Allele origin: germline.

Labcorp Genetics (formerly Invitae), Labcorp
Classification: Uncertain significance. Last evaluated: 2022-10-17. Review status: criteria provided, single submitter. Criteria: Invitae Variant Classification Sherloc (09022015). Collection method: clinical testing. Allele origin: germline.
Comment: This sequence change replaces asparagine, which is neutral and polar, with isoleucine, which is neutral and non-polar, at codon 2701 of the HSPG2 protein (p.Asn2701Ile). This variant is present in population databases (rs777772972, gnomAD 0.03%). This variant has not been reported in the literature in individuals affected with HSPG2-related conditions. ClinVar contains an entry for this variant (Variation ID: 1037387). Algorithms developed to predict the effect of missense changes on protein structure and function are either unavailable or do not agree on the potential impact of this missense change (SIFT: "Tolerated"; PolyPhen-2: "Probably Damaging"; Align-GVGD: "Class C0"). In summary, the available evidence is currently insufficient to determine the role of this variant in disease. Therefore, it has been classified as a Variant of Uncertain Significance.